The following is an entry in ClinVar:

ClinVar aggregate classification (germline): Uncertain significance (1 of 4 stars; one submission).

Conditions:
Familial temporal lobe epilepsy 7. Identifiers: Orphanet 101046, MedGen C4225327, MONDO:0014639, OMIM 616436.
Norman-Roberts syndrome (LIS2). Also called: Lissencephaly 2 (Norman-Roberts type). Identifiers: Orphanet 89844, MedGen C0796089, MONDO:0009760, OMIM 257320.

Submission:

Labcorp Genetics (formerly Invitae), Labcorp
Classification: Uncertain significance for Familial temporal lobe epilepsy 7; Norman-Roberts syndrome. Last evaluated: 2025-05-27. Review status: criteria provided, single submitter. Criteria: Invitae Variant Classification Sherloc (09022015). Collection method: clinical testing. Allele origin: germline.
Comment: This sequence change replaces histidine, which is basic and polar, with arginine, which is basic and polar, at codon 2060 of the RELN protein (p.His2060Arg). This variant is not present in population databases (gnomAD no frequency). This variant has not been reported in the literature in individuals affected with RELN-related conditions. ClinVar contains an entry for this variant (Variation ID: 1438151). Invitae Evidence Modeling of protein sequence and biophysical properties (such as structural, functional, and spatial information, amino acid conservation, physicochemical variation, residue mobility, and thermodynamic stability) indicates that this missense variant is not expected to disrupt RELN protein function with a negative predictive value of 80%. In summary, the available evidence is currently insufficient to determine the role of this variant in disease. Therefore, it has been classified as a Variant of Uncertain Significance.

NM_005045.4(RELN):c.6179A>G (p.His2060Arg)

Gene: RELN (reelin; minus strand). Cytogenetic location: 7q22.1.
Variant type: single nucleotide variant.
Coding change: c.6179A>G on transcript NM_005045.4 (MANE Select); coding-DNA position 6179, A replaced by G.
Protein change: p.His2060Arg; replaces histidine 2060 with arginine.
Molecular consequence: missense variant.
Genome position (GRCh38, 1-based): chr7:103,551,190, T>C on the plus strand (A>G on the coding strand, the complement: RELN is on the minus strand). VCF-style: chr7-103551190-T-C. GRCh37 (hg19) VCF-style: chr7-103191637-T-C.
Other names: c.6179A>G, p.His2060Arg (NM_173054.3); short protein forms H2060R.
Identifiers: ClinVar variation 1438151 (VCV001438151.6), dbSNP rs1830402483, ClinGen allele CA368738209.